The following is an entry in ClinVar:

NM_152419.3(HGSNAT):c.374_376delinsAAATACA (p.Leu125_Glu126delinsTer)

Gene: HGSNAT (heparan-alpha-glucosaminide N-acetyltransferase; plus strand). Cytogenetic location: 8p11.21.
Variant type: Indel.
Coding change: c.374_376delinsAAATACA on transcript NM_152419.3 (MANE Select); coding-DNA positions 374 to 376, TGG replaced by AAATACA.
Protein change: p.Leu125_Glu126delinsTer.
Molecular consequence: nonsense. On other transcripts: 5 prime UTR variant (1).
Genome position (GRCh38, 1-based): chr8:43,158,925-43,158,927, TGG replaced by AAATACA. VCF-style: chr8-43158925-TGG-AAATACA. GRCh37 (hg19) VCF-style: chr8-43014068-TGG-AAATACA.
Other names: c.374_376delinsAAATACA, p.Leu125_Glu126delinsTer (NM_001363227.2, NM_001363228.2); c.-460_-458delinsAAATACA (NM_001363229.2).
Identifiers: ClinVar variation 4816872 (VCV004816872.1).

ClinVar aggregate classification (germline): Likely pathogenic (1 of 4 stars; one submission).

Conditions:
Mucopolysaccharidosis, MPS-III-C (MPS3C). Also called: MPS IIIC (Sanfilippo Syndrome Type C); SANFILIPPO SYNDROME C; MPS III C; Mucopolysaccharidosis type IIIC (Sanfilippo C); MUCOPOLYSACCHARIDOSIS, TYPE IIIC; mucopolysaccharidosis type 3C. Identifiers: Orphanet 581, Orphanet 79271, MedGen C0086649, MONDO:0009657, OMIM 252930.

Submission:

Natera, Inc.
Classification: Likely pathogenic for Mucopolysaccharidosis type IIIC. Last evaluated: 2024-04-26. Review status: criteria provided, single submitter. Criteria: Natera Variant Classification Schema (03/2026). Collection method: clinical testing. Allele origin: germline.
Comment: The c.374_376delTGGinsAAATACA variant in HGSNAT is a frameshift variant predicted to shift the reading frame and introduce a stop codon. This variant is expected to result in nonsense mediated decay, truncation, or a dysfunctional protein product. This variant is rare in the general population with a frequency below the threshold expected for the associated phenotype(s). Given the available evidence, this variant is classified as Likely Pathogenic.